The following is an entry in ClinVar:

NM_005359.6(SMAD4):c.1450C>G (p.Leu484Val)

Gene: SMAD4 (SMAD family member 4; plus strand). Cytogenetic location: 18q21.2.
Variant type: single nucleotide variant.
Coding change: c.1450C>G on transcript NM_005359.6 (MANE Select); coding-DNA position 1450, C replaced by G.
Protein change: p.Leu484Val; replaces leucine 484 with valine.
Molecular consequence: missense variant. On other transcripts: non-coding transcript variant (1).
Genome position (GRCh38, 1-based): chr18:51,078,258, C>G. VCF-style: chr18-51078258-C-G. GRCh37 (hg19) VCF-style: chr18-48604628-C-G.
Other names: c.1450C>G, p.Leu484Val (NM_001407041.1, NM_001407042.1); short protein forms L484V.
Identifiers: ClinVar variation 2962588 (VCV002962588.1), dbSNP rs2144477953, ClinGen allele CA402465630.

ClinVar aggregate classification (germline): Uncertain significance (1 of 4 stars; one submission).

Conditions:
Juvenile polyposis syndrome (JPS). Identifiers: Orphanet 2929, MedGen C0345893, MONDO:0017380, OMIM 174900.

Allele frequency attached by ClinVar (database versions not stated): gnomAD exomes below 0.00001.
gnomAD v4.1: 2 of 1,613,888 alleles (0.00012%); highest among the groups gnomAD compares: East Asian, 0.0022%; no homozygotes.

Submission:

Labcorp Genetics (formerly Invitae), Labcorp
Classification: Uncertain significance for Juvenile polyposis syndrome. Last evaluated: 2023-05-30. Review status: criteria provided, single submitter. Criteria: Invitae Variant Classification Sherloc (09022015). Collection method: clinical testing. Allele origin: germline.
Comment: In summary, the available evidence is currently insufficient to determine the role of this variant in disease. Therefore, it has been classified as a Variant of Uncertain Significance. An algorithm developed to predict the effect of missense changes on protein structure and function (PolyPhen-2) suggests that this variant¬†is likely to be tolerated. This variant has not been reported in the literature in individuals affected with SMAD4-related conditions. This variant is not present in population databases (gnomAD no frequency). This sequence change replaces leucine, which is neutral and non-polar, with valine, which is neutral and non-polar, at codon 484 of the SMAD4 protein (p.Leu484Val).